The following is an entry in ClinVar:

NM_020686.6(ABAT):c.543C>G (p.Ser181Arg)

Gene: ABAT (4-aminobutyrate aminotransferase; plus strand). Cytogenetic location: 16p13.2.
Variant type: single nucleotide variant.
Coding change: c.543C>G on transcript NM_020686.6 (MANE Select); coding-DNA position 543, C replaced by G.
Protein change: p.Ser181Arg; replaces serine 181 with arginine.
Molecular consequence: missense variant. On other transcripts: intron variant (4).
Genome position (GRCh38, 1-based): chr16:8,766,210, C>G. VCF-style: chr16-8766210-C-G. GRCh37 (hg19) VCF-style: chr16-8860067-C-G.
Other names: c.543C>G (NM_020686.5); c.543C>G, p.Ser181Arg (NM_000663.5, NM_001127448.2, NM_001386600.1 and 7 more transcripts); c.450C>G, p.Ser150Arg (NM_001386608.1); c.408C>G, p.Ser136Arg (NM_001386610.1, NM_001386611.1); c.297C>G, p.Ser99Arg (NM_001386614.1); c.639C>G, p.Ser213Arg (NM_001386615.1); c.540+1380C>G (NM_001386607.1, NM_001386606.1); c.405+1380C>G (NM_001386612.1, NM_001386613.1); short protein forms S150R, S181R, S99R, S136R, S213R.
Identifiers: ClinVar variation 1396570 (VCV001396570.7), dbSNP rs144238624, ClinGen allele CA7893196.
Genomic context (GRCh38, chr16:8,766,210, plus strand): 5'-ATGAAGCCCCGACTACCCCAGAGCATCTCTGAGATTTTGTTCTGTTCTATTGTTTCAGAG[C>G]AAGGAAAGAGGGCAGAGGGGCTTCTCCCAGGAGGAGCTGGAGACGTGCATGATTAACCAG-3'
Protein context (NP_065737.2, residues 171-191): ALKTIFMWYR[Ser181Arg]KERGQRGFSQ

ClinVar aggregate classification (germline): Uncertain significance. Review status: criteria provided, multiple submitters, no conflicts (2 of 4 stars). 3 submissions from 3 submitters: Uncertain significance (3). Last evaluated 2023-10-27.

Conditions:
Inborn genetic diseases. Identifiers: MedGen C0950123, MeSH D030342.
Gamma-aminobutyric acid transaminase deficiency (GABATD). Also called: GABA aminotransaminase deficiency; GABA transaminase deficiency; Gamma aminobutyrate transaminase deficiency; 4 alpha aminobutyrate transaminase deficiency. Identifiers: Orphanet 2066, MedGen C0342708, MONDO:0013166, OMIM 613163.

Allele frequency attached by ClinVar (database versions not stated): gnomAD exomes below 0.00001; gnomAD 0.00001; ExAC 0.00002; ESP Exome Variant Server 0.00008; TOPMed 0.00009.
gnomAD v4.1: 5 of 1,613,778 alleles (0.00031%); highest among the groups gnomAD compares: Admixed American, 0.005%; no homozygotes.

Submissions (3):

Ambry Genetics
Classification: Uncertain significance for Inborn genetic diseases. Last evaluated: 2023-10-27. Review status: criteria provided, single submitter. Criteria: Ambry Variant Classification Scheme 2023. Collection method: clinical testing. Allele origin: germline.

GeneDx
Classification: Uncertain significance. Last evaluated: 2022-12-29. Review status: criteria provided, single submitter. Criteria: GeneDx Variant Classification Process June 2021. Collection method: clinical testing. Allele origin: germline. Affected: yes.
Comment: Not observed at significant frequency in large population cohorts (gnomAD); In silico analysis supports that this missense variant does not alter protein structure/function; Has not been previously published as pathogenic or benign to our knowledge

Labcorp Genetics (formerly Invitae), Labcorp
Classification: Uncertain significance for Gamma-aminobutyric acid transaminase deficiency. Last evaluated: 2022-05-24. Review status: criteria provided, single submitter. Criteria: Invitae Variant Classification Sherloc (09022015). Collection method: clinical testing. Allele origin: germline.
Comment: This sequence change replaces serine, which is neutral and polar, with arginine, which is basic and polar, at codon 181 of the ABAT protein (p.Ser181Arg). This variant is present in population databases (rs144238624, gnomAD 0.003%). This variant has not been reported in the literature in individuals affected with ABAT-related conditions. Algorithms developed to predict the effect of missense changes on protein structure and function (SIFT, PolyPhen-2, Align-GVGD) all suggest that this variant is likely to be tolerated. In summary, the available evidence is currently insufficient to determine the role of this variant in disease. Therefore, it has been classified as a Variant of Uncertain Significance.